The following is an entry in ClinVar:

NM_005359.6(SMAD4):c.527G>T (p.Gly176Val)

Gene: SMAD4 (SMAD family member 4; plus strand). Cytogenetic location: 18q21.2.
Variant type: single nucleotide variant.
Coding change: c.527G>T on transcript NM_005359.6 (MANE Select); coding-DNA position 527, G replaced by T.
Protein change: p.Gly176Val; replaces glycine 176 with valine.
Molecular consequence: missense variant.
Genome position (GRCh38, 1-based): chr18:51,054,853, G>T. VCF-style: chr18-51054853-G-T. GRCh37 (hg19) VCF-style: chr18-48581223-G-T.
Other names: c.527G>T, p.Gly176Val (NM_001407041.1, NM_001407042.1, NM_001407043.1); short protein forms G176V.
Identifiers: ClinVar variation 2093030 (VCV002093030.6), dbSNP rs2144418487, ClinGen allele CA402460833.

ClinVar aggregate classification (germline): Uncertain significance. Review status: criteria provided, multiple submitters, no conflicts (2 of 4 stars). 2 submissions from 2 submitters: Uncertain significance (2). Last evaluated 2026-07-31.

Conditions:
Juvenile polyposis syndrome (JPS). Identifiers: Orphanet 2929, MedGen C0345893, MONDO:0017380, OMIM 174900.
Hereditary cancer-predisposing syndrome. Also called: Tumor predisposition; Hereditary Cancer Syndrome; Hereditary neoplastic syndrome; Neoplastic Syndromes, Hereditary. Identifiers: Orphanet 140162, MedGen C0027672, MeSH D009386, MONDO:0015356.
Familial thoracic aortic aneurysm and aortic dissection (TAAD). Also called: Thoracic aortic aneurysms and dissections. Identifiers: Orphanet 91387, MedGen C4707243, MONDO:0019625.

Submissions (2):

Ambry Genetics
Classification: Uncertain significance for Hereditary cancer-predisposing syndrome; Familial thoracic aortic aneurysm and aortic dissection. Last evaluated: 2026-07-31. Review status: criteria provided, single submitter. Criteria: Ambry Variant Classification Scheme 2023. Collection method: clinical testing. Allele origin: germline.
Comment: The p.G176V variant (also known as c.527G>T), located in coding exon 4 of the SMAD4 gene, results from a G to T substitution at nucleotide position 527. The glycine at codon 176 is replaced by valine, an amino acid with dissimilar properties. This amino acid position is highly conserved in available vertebrate species. In addition, this alteration is predicted to be deleterious by in silico analysis. Based on the available evidence, the clinical significance of this variant remains unclear.

Labcorp Genetics (formerly Invitae), Labcorp
Classification: Uncertain significance for Juvenile polyposis syndrome. Last evaluated: 2022-02-04. Review status: criteria provided, single submitter. Criteria: Invitae Variant Classification Sherloc (09022015). Collection method: clinical testing. Allele origin: germline.
Comment: In summary, the available evidence is currently insufficient to determine the role of this variant in disease. Therefore, it has been classified as a Variant of Uncertain Significance. Algorithms developed to predict the effect of sequence changes on RNA splicing suggest that this variant may create or strengthen a splice site. Advanced modeling of protein sequence and biophysical properties (such as structural, functional, and spatial information, amino acid conservation, physicochemical variation, residue mobility, and thermodynamic stability) performed at Invitae indicates that this missense variant is not expected to disrupt SMAD4 protein function. This variant has not been reported in the literature in individuals affected with SMAD4-related conditions. This variant is not present in population databases (gnomAD no frequency). This sequence change replaces glycine, which is neutral and non-polar, with valine, which is neutral and non-polar, at codon 176 of the SMAD4 protein (p.Gly176Val).